The following is an entry in ClinVar:

ClinVar aggregate classification (germline): Likely benign. Review status: criteria provided, single submitter (1 of 4 stars). 2 submissions from 2 submitters: Likely benign (1). 1 of the submissions does not count toward it. Last evaluated 2023-08-01.

Conditions:
ULK4-related disorder. Also called: ULK4-related condition.

Allele frequency attached by ClinVar (database versions not stated): TOPMed 0.00006; ESP Exome Variant Server 0.00008; gnomAD 0.00020; ExAC 0.00069; 1000 Genomes Project 30x 0.00078; 1000 Genomes Project 0.00080.
gnomAD v4.1: 569 of 1,614,118 alleles (0.035%); highest among the groups gnomAD compares: South Asian, 0.45%; 3 homozygotes.

Submissions (2):

CeGaT Center for Human Genetics Tuebingen
Classification: Likely benign. Last evaluated: 2023-08-01. Review status: criteria provided, single submitter. Criteria: CeGaT Center For Human Genetics Tuebingen Variant Classification Criteria Version 2. Collection method: clinical testing. Allele origin: germline. Affected: yes. Observed: 1 variant allele.
Comment: ULK4: BP4

PreventionGenetics, part of Exact Sciences
Classification: Likely benign for ULK4-related condition. Last evaluated: 2019-02-21. Review status: no assertion criteria provided. Collection method: clinical testing. Allele origin: germline. Not counted in ClinVar's aggregate classification.
Comment: This variant is classified as likely benign based on ACMG/AMP sequence variant interpretation guidelines (Richards et al. 2015 PMID: 25741868, with internal and published modifications).

NM_017886.4(ULK4):c.493G>A (p.Asp165Asn)

Gene: ULK4 (unc-51 like kinase 4; minus strand). Cytogenetic location: 3p22.1.
Variant type: single nucleotide variant.
Coding change: c.493G>A on transcript NM_017886.4 (MANE Select); coding-DNA position 493, G replaced by A.
Protein change: p.Asp165Asn; replaces aspartic acid 165 with asparagine.
Molecular consequence: missense variant. On other transcripts: 5 prime UTR variant (1), non-coding transcript variant (1).
Genome position (GRCh38, 1-based): chr3:41,931,892, C>T on the plus strand (G>A on the coding strand, the complement: ULK4 is on the minus strand). VCF-style: chr3-41931892-C-T. GRCh37 (hg19) VCF-style: chr3-41973384-C-T.
Other names: c.493G>A, p.Asp165Asn (NM_001322500.2); c.-338G>A (NM_001322501.2); c.493G>A (NM_017886.3); short protein forms D165N.
Identifiers: ClinVar variation 2653699 (VCV002653699.25), dbSNP rs200678292, ClinGen allele CA2332701.